The following is an entry in ClinVar:

NM_001166108.2(PALLD):c.1289G>A (p.Arg430Gln)

Gene: PALLD (palladin, cytoskeletal associated protein; plus strand). Cytogenetic location: 4q32.3.
Variant type: single nucleotide variant.
Coding change: c.1289G>A on transcript NM_001166108.2 (MANE Select); coding-DNA position 1289, G replaced by A.
Protein change: p.Arg430Gln; replaces arginine 430 with glutamine.
Molecular consequence: missense variant.
Genome position (GRCh38, 1-based): chr4:168,685,513, G>A. VCF-style: chr4-168685513-G-A. GRCh37 (hg19) VCF-style: chr4-169606664-G-A.
Other names: p.R430Q:CGA>CAA; c.143G>A, p.Arg48Gln (NM_001166109.2); c.1289G>A, p.Arg430Gln (NM_016081.4); short protein forms R430Q, R48Q.
Identifiers: ClinVar variation 128096 (VCV000128096.8), dbSNP rs145571230, ClinGen allele CA288344.

ClinVar aggregate classification (germline): Conflicting classifications of pathogenicity. Review status: criteria provided, conflicting classifications (1 of 4 stars). 3 submissions from 3 submitters: Uncertain significance (1); Benign (1). 1 of the submissions does not count toward it. Last evaluated 2018-01-12.

Conditions:
PALLD-related disorder. Also called: PALLD-related condition.
Pancreatic cancer, susceptibility to, 1. Identifiers: Orphanet 1333, MedGen C1847351, MONDO:0011739, OMIM 606856.

Allele frequency attached by ClinVar (database versions not stated): ESP Exome Variant Server 0.00015; gnomAD 0.00016; TOPMed 0.00021; ExAC 0.00034.

Submissions (3):

Illumina Laboratory Services, Illumina
Classification: Benign for Pancreatic cancer, susceptibility to, 1. Last evaluated: 2018-01-12. Review status: criteria provided, single submitter. Criteria: ICSL Variant Classification Criteria 13 December 2019. Collection method: clinical testing. Allele origin: germline.
Comment: This variant was observed in the ICSL laboratory as part of a predisposition screen in an ostensibly healthy population. It had not been previously curated by ICSL or reported in the Human Gene Mutation Database (HGMD: prior to June 1st, 2018), and was therefore a candidate for classification through an automated scoring system. Utilizing variant allele frequency, disease prevalence and penetrance estimates, and inheritance mode, an automated score was calculated to assess if this variant is too frequent to cause the disease. Based on the score and internal cut-off values, a variant classified as benign is not then subjected to further curation. The score for this variant resulted in a classification of benign for this disease.

GeneDx
Classification: Uncertain significance. Last evaluated: 2014-02-18. Review status: criteria provided, single submitter. Criteria: GeneDx Variant Classification (06012015). Collection method: clinical testing. Allele origin: germline. Affected: yes.
Comment: PALLD has been only recently described in association with pancreatic cancer and the risks are not well understood. This variant is denoted PALLD c.1289G>A at the cDNA level, p.Arg430Gln (R430Q) at the protein level, and results in the change of an Arginine to a Glutamine (CGA>CAA). This variant has not, to our knowledge, been published in the literature as pathogenic or benign. PALLD Arg430Gln was not observed at a significant allele frequency in the NHLBI Exome Sequencing Project. This variant is a semi-conservative substitution in which a positive polar amino acid is replaced with a neutral polar one, altering a position that is well conserved throughout evolution and is not located in a known functional domain. In silico analyses predict this variant to have a benign effect on protein structure and function. On a molecular level, the impact of this missense variant on protein structure and function is not known and thus we consider this to be a variant of uncertain significance. Furthermore, based on the currently available information, cancer risks associated with this variant, and the PALLD gene, remain unclear.

PreventionGenetics, part of Exact Sciences
Classification: Likely benign for PALLD-related condition. Last evaluated: 2022-07-14. Review status: no assertion criteria provided. Collection method: clinical testing. Allele origin: germline. Not counted in ClinVar's aggregate classification.
Comment: This variant is classified as likely benign based on ACMG/AMP sequence variant interpretation guidelines (Richards et al. 2015 PMID: 25741868, with internal and published modifications).